The following is an entry in ClinVar:

ClinVar aggregate classification (germline): Uncertain significance (1 of 4 stars; one submission).

Conditions:
GCNT2-related disorder. Also called: GCNT2-related condition.

Submission:

PreventionGenetics, part of Exact Sciences
Classification: Uncertain significance for GCNT2-related condition. Last evaluated: 2022-10-03. Review status: criteria provided, single submitter. Criteria: ACMG Guidelines, 2015. Collection method: clinical testing. Allele origin: germline.
Comment: The GCNT2 c.322G>A variant is predicted to result in the amino acid substitution p.Asp108Asn. To our knowledge, this variant has not been reported in the literature or in a large population database, indicating this variant is rare. At this time, the clinical significance of this variant is uncertain due to the absence of conclusive functional and genetic evidence.

NM_145649.5(GCNT2):c.926-35040G>A

Gene: GCNT2 (glucosaminyl (N-acetyl) transferase 2 (I blood group); plus strand). Cytogenetic location: 6p24.3.
Variant type: single nucleotide variant.
Coding change: c.926-35040G>A on transcript NM_145649.5 (MANE Select); 35040 bases into the intron before coding-DNA position 926, G replaced by A.
Molecular consequence: intron variant. On other transcripts: missense variant (1).
Genome position (GRCh38, 1-based): chr6:10,586,311, G>A. VCF-style: chr6-10586311-G-A. GRCh37 (hg19) VCF-style: chr6-10586544-G-A.
Other names: c.322G>A, p.Asp108Asn (NM_145655.4); c.926-35040G>A (NM_001374747.1); c.919+28969G>A (NM_001491.3); short protein forms D108N.
Identifiers: ClinVar variation 2636617 (VCV002636617.1), dbSNP rs2532902329, ClinGen allele CA362702339.